The following is an entry in ClinVar:

ClinVar aggregate classification (germline): Uncertain significance. Review status: criteria provided, multiple submitters, no conflicts (2 of 4 stars). 2 submissions from 2 submitters: Uncertain significance (2). Last evaluated 2024-04-24.

Conditions:
Wolcott-Rallison dysplasia. Also called: Wolcott-Rallison syndrome; MED-IDDM SYNDROME. Identifiers: Orphanet 1667, MedGen C0432217, MONDO:0009192, OMIM 226980.

Allele frequency attached by ClinVar (database versions not stated): gnomAD exomes below 0.00001 and 0.00001; TOPMed below 0.00001.
gnomAD v4.1: 18 of 1,614,070 alleles (0.0011%); highest among the groups gnomAD compares: Non-Finnish European, 0.0014%; no homozygotes.

Submissions (2):

Fulgent Genetics
Classification: Uncertain significance for Wolcott-Rallison dysplasia. Last evaluated: 2024-04-24. Review status: criteria provided, single submitter. Criteria: ACMG Guidelines, 2015. Collection method: clinical testing. Allele origin: germline.

Labcorp Genetics (formerly Invitae), Labcorp
Classification: Uncertain significance. Last evaluated: 2021-09-15. Review status: criteria provided, single submitter. Criteria: Invitae Variant Classification Sherloc (09022015). Collection method: clinical testing. Allele origin: germline.
Comment: This sequence change replaces valine with aspartic acid at codon 192 of the EIF2AK3 protein (p.Val192Asp). The valine residue is moderately conserved and there is a large physicochemical difference between valine and aspartic acid. This variant is not present in population databases (ExAC no frequency). This variant has not been reported in the literature in individuals affected with EIF2AK3-related conditions. Algorithms developed to predict the effect of missense changes on protein structure and function are either unavailable or do not agree on the potential impact of this missense change (SIFT: "Deleterious"; PolyPhen-2: "Possibly Damaging"; Align-GVGD: "Class C0"). In summary, the available evidence is currently insufficient to determine the role of this variant in disease. Therefore, it has been classified as a Variant of Uncertain Significance.

NM_004836.7(EIF2AK3):c.575T>A (p.Val192Asp)

Gene: EIF2AK3 (eukaryotic translation initiation factor 2 alpha kinase 3; minus strand). Cytogenetic location: 2p11.2.
Variant type: single nucleotide variant.
Coding change: c.575T>A on transcript NM_004836.7 (MANE Select); coding-DNA position 575, T replaced by A.
Protein change: p.Val192Asp; replaces valine 192 with aspartic acid.
Molecular consequence: missense variant.
Genome position (GRCh38, 1-based): chr2:88,595,527, A>T on the plus strand (T>A on the coding strand, the complement: EIF2AK3 is on the minus strand). VCF-style: chr2-88595527-A-T. GRCh37 (hg19) VCF-style: chr2-88895045-A-T.
Other names: c.122T>A, p.Val41Asp (NM_001313915.2); short protein forms V192D, V41D.
Identifiers: ClinVar variation 1505507 (VCV001505507.4), dbSNP rs1309491307, ClinGen allele CA347596702.